The following is an entry in ClinVar:

NM_000426.4(LAMA2):c.8866T>C (p.Phe2956Leu)

Gene: LAMA2 (laminin subunit alpha 2; plus strand). Cytogenetic location: 6q22.33.
Variant type: single nucleotide variant.
Coding change: c.8866T>C on transcript NM_000426.4 (MANE Select); coding-DNA position 8866, T replaced by C.
Protein change: p.Phe2956Leu; replaces phenylalanine 2956 with leucine.
Molecular consequence: missense variant.
Genome position (GRCh38, 1-based): chr6:129,512,371, T>C. VCF-style: chr6-129512371-T-C. GRCh37 (hg19) VCF-style: chr6-129833516-T-C.
Other names: c.8854T>C, p.Phe2952Leu (NM_001079823.2); short protein forms F2952L, F2956L.
Identifiers: ClinVar variation 1373244 (VCV001373244.3), dbSNP rs879378342, ClinGen allele CA146927072.
Genomic context (GRCh38, chr6:129,512,371, plus strand): 5'-TTAACAATCCCCATCCTCTAATCCAAAATATTTTAAAATCTTCATTTTACAGTTGGTGGA[T>C]TCAAAGTGGGATTGGACCTTCTTGTAGAATTTGAATTCCGCACAACTACAACGACTGGAG-3'
Protein context (NP_000417.3, residues 2946-2966): GTGFAKAVGG[Phe2956Leu]KVGLDLLVEF

ClinVar aggregate classification (germline): Uncertain significance (1 of 4 stars; one submission).

Conditions:
LAMA2-related muscular dystrophy (LAMA2-RD). Also called: Laminin alpha 2-related dystrophy. Identifiers: MedGen C5679788, MONDO:0100228.

Allele frequency attached by ClinVar (database versions not stated): TOPMed 0.00001; gnomAD exomes 0.00002.
gnomAD v4.1: 29 of 1,613,602 alleles (0.0018%); highest among the groups gnomAD compares: Non-Finnish European, 0.0023%; no homozygotes.

Submission:

Labcorp Genetics (formerly Invitae), Labcorp
Classification: Uncertain significance for LAMA2-related muscular dystrophy. Last evaluated: 2022-06-27. Review status: criteria provided, single submitter. Criteria: Invitae Variant Classification Sherloc (09022015). Collection method: clinical testing. Allele origin: germline.
Comment: This sequence change replaces phenylalanine, which is neutral and non-polar, with leucine, which is neutral and non-polar, at codon 2956 of the LAMA2 protein (p.Phe2956Leu). This variant is not present in population databases (gnomAD no frequency). This variant has not been reported in the literature in individuals affected with LAMA2-related conditions. Advanced modeling of protein sequence and biophysical properties (such as structural, functional, and spatial information, amino acid conservation, physicochemical variation, residue mobility, and thermodynamic stability) performed at Invitae indicates that this missense variant is not expected to disrupt LAMA2 protein function. In summary, the available evidence is currently insufficient to determine the role of this variant in disease. Therefore, it has been classified as a Variant of Uncertain Significance.